The following is an entry in ClinVar:

ClinVar aggregate classification (germline): Likely pathogenic (1 of 4 stars; one submission).

Conditions:
Duchenne muscular dystrophy (DMD). Also called: Duchenne Muscular Dystrophy (DMD); MUSCULAR DYSTROPHY, PSEUDOHYPERTROPHIC PROGRESSIVE, DUCHENNE TYPE. Identifiers: Orphanet 98896, MedGen C0013264, MONDO:0010679, OMIM 310200.

Submission:

Broad Center for Mendelian Genomics, Broad Institute of MIT and Harvard
Classification: Likely pathogenic for Duchenne muscular dystrophy. Last evaluated: 2018-12-03. Review status: criteria provided, single submitter. Criteria: ACMG Guidelines, 2015. Collection method: research. Allele origin: germline. Inheritance: X-linked inheritance. Affected: yes.
Comment: Manifesting female carriers of DMD have been previously reported (Mercieret al., 2013). This deletion variant in DMD has not been previously reported in individuals with Duchenne Muscular Dystrophy and was absent from large population studies. This variant is a deletion of Exon 1 and 2 and is predicted to impact the protein, including the start codon. Loss of function of the DMD gene is an established disease mechanism in autosomal recessive Duchenne Muscular Dystrophy. A splice site variant affecting Exon 2 has been reported pathogenic for Duchenne Muscular Dystrophy in ClinVar by Invitae and EGL Genetic Diagnostics, suggesting that Exon 2 is important for protein function (Variation ID: 283346). In summary, although additional studies are required to fully establish its clinical significance, this variant is likely pathogenic.

Single allele

Gene: DMD (dystrophin; minus strand). Cytogenetic location: Xp21.1.
Variant type: Deletion.
Identifiers: ClinVar variation 814013 (VCV000814013.1).